The following is an entry in ClinVar:

NM_000368.5(TSC1):c.1183C>T (p.Pro395Ser)

Gene: TSC1 (TSC complex subunit 1; minus strand). Cytogenetic location: 9q34.13.
Variant type: single nucleotide variant.
Coding change: c.1183C>T on transcript NM_000368.5 (MANE Select); coding-DNA position 1183, C replaced by T.
Protein change: p.Pro395Ser; replaces proline 395 with serine.
Molecular consequence: missense variant.
Genome position (GRCh38, 1-based): chr9:132,910,651, G>A on the plus strand (C>T on the coding strand, the complement: TSC1 is on the minus strand). VCF-style: chr9-132910651-G-A. GRCh37 (hg19) VCF-style: chr9-135786038-G-A.
Other names: c.1183C>T (NM_000368.4); c.1180C>T, p.Pro394Ser (NM_001162426.2); c.1030C>T, p.Pro344Ser (NM_001162427.2); c.820C>T, p.Pro274Ser (NM_001362177.2); short protein forms P274S, P344S, P394S, P395S.
Identifiers: ClinVar variation 1021410 (VCV001021410.9), dbSNP rs1845904525, ClinGen allele CA375367061.

ClinVar aggregate classification (germline): Uncertain significance. Review status: criteria provided, multiple submitters, no conflicts (2 of 4 stars). 2 submissions from 2 submitters: Uncertain significance (2). Last evaluated 2025-09-03.

Conditions:
Tuberous sclerosis 1 (TSC1). Identifiers: Orphanet 805, MedGen C1854465, MONDO:0008612, OMIM 191100.
Hereditary cancer-predisposing syndrome. Also called: Hereditary neoplastic syndrome; Neoplastic Syndromes, Hereditary; Tumor predisposition; Hereditary Cancer Syndrome. Identifiers: Orphanet 140162, MedGen C0027672, MeSH D009386, MONDO:0015356.

gnomAD v4.1: 1 of 1,614,134 alleles (0.000062%); highest among the groups gnomAD compares: South Asian, 0.0011%; no homozygotes.

Submissions (2):

Ambry Genetics
Classification: Uncertain significance for Hereditary cancer-predisposing syndrome. Last evaluated: 2025-09-03. Review status: criteria provided, single submitter. Criteria: Ambry Variant Classification Scheme 2023. Collection method: clinical testing. Allele origin: germline.
Comment: The p.P395S variant (also known as c.1183C>T), located in coding exon 10 of the TSC1 gene, results from a C to T substitution at nucleotide position 1183. The proline at codon 395 is replaced by serine, an amino acid with similar properties. This amino acid position is highly conserved in available vertebrate species. In addition, the in silico prediction for this alteration is inconclusive. Based on the available evidence, the clinical significance of this variant remains unclear.

Labcorp Genetics (formerly Invitae), Labcorp
Classification: Uncertain significance for Tuberous sclerosis 1. Last evaluated: 2024-10-14. Review status: criteria provided, single submitter. Criteria: Invitae Variant Classification Sherloc (09022015). Collection method: clinical testing. Allele origin: germline.
Comment: This sequence change replaces proline, which is neutral and non-polar, with serine, which is neutral and polar, at codon 395 of the TSC1 protein (p.Pro395Ser). This variant is not present in population databases (gnomAD no frequency). This variant has not been reported in the literature in individuals affected with TSC1-related conditions. ClinVar contains an entry for this variant (Variation ID: 1021410). Invitae Evidence Modeling of protein sequence and biophysical properties (such as structural, functional, and spatial information, amino acid conservation, physicochemical variation, residue mobility, and thermodynamic stability) indicates that this missense variant is not expected to disrupt TSC1 protein function with a negative predictive value of 95%. In summary, the available evidence is currently insufficient to determine the role of this variant in disease. Therefore, it has been classified as a Variant of Uncertain Significance.